The following is an entry in ClinVar:

NM_001692.4(ATP6V1B1):c.118+75G>A

Gene: ATP6V1B1 (ATPase H+ transporting V1 subunit B1; plus strand). Cytogenetic location: 2p13.3.
Variant type: single nucleotide variant.
Coding change: c.118+75G>A on transcript NM_001692.4 (MANE Select); 75 bases into the intron after coding-DNA position 118, G replaced by A.
Molecular consequence: intron variant.
Genome position (GRCh38, 1-based): chr2:70,936,147, G>A. VCF-style: chr2-70936147-G-A. GRCh37 (hg19) VCF-style: chr2-71163277-G-A.
Identifiers: ClinVar variation 682700 (VCV000682700.2), dbSNP rs34965400, ClinGen allele CA49687640.
Genomic context (GRCh38, chr2:70,936,147, plus strand): 5'-CACCGTGACGGGTGAGGTCAGGGTGGGGAGCTGGGGTGGGCTGCCAGGTTCCCGGGCCCC[G>A]CTTCTTGCCTCAGAAAAGGAGGAGGACCCAAGACCTGGGGAGACCTGGAGGGCTCTCTGT-3'

ClinVar aggregate classification (germline): Likely benign. Review status: criteria provided, multiple submitters, no conflicts (2 of 4 stars). 2 submissions from 2 submitters: Likely benign (2). Last evaluated 2018-06-14.

Allele frequency attached by ClinVar (database versions not stated): 1000 Genomes Project 30x 0.01608; 1000 Genomes Project 0.01637; TOPMed 0.02150; gnomAD 0.02286 and 0.02334; gnomAD exomes 0.03165.
gnomAD v4.1: 44,881 of 1,465,364 alleles (3.1%); highest among the groups gnomAD compares: Admixed American, 3.5%; 796 homozygotes.

Submissions (2):

GeneDx
Classification: Likely benign. Last evaluated: 2018-06-14. Review status: criteria provided, single submitter. Criteria: GeneDx Variant Classification (06012015). Collection method: clinical testing. Allele origin: germline. Affected: yes.
Comment: This variant is considered likely benign or benign based on one or more of the following criteria: it is a conservative change, it occurs at a poorly conserved position in the protein, it is predicted to be benign by multiple in silico algorithms, and/or has population frequency not consistent with disease.

Breakthrough Genomics
Classification: Likely benign. Review status: criteria provided, single submitter. Criteria: ACMG Guidelines, 2015. Collection method: not provided. Allele origin: germline. Inheritance: Autosomal recessive inheritance. Affected: yes.